The following is an entry in ClinVar:

ClinVar aggregate classification (germline): Pathogenic. Review status: criteria provided, multiple submitters, no conflicts (2 of 4 stars). 14 submissions from 14 submitters: Pathogenic (12). 2 of the submissions do not count toward it. Last evaluated 2026-01-13.

Conditions:
BRCA2-related cancer predisposition. Identifiers: MedGen CN377758, MONDO:0700269.
Hereditary cancer-predisposing syndrome. Also called: Hereditary Cancer Syndrome; Tumor predisposition; Neoplastic Syndromes, Hereditary; Hereditary neoplastic syndrome. Identifiers: Orphanet 140162, MedGen C0027672, MeSH D009386, MONDO:0015356.
Hereditary breast ovarian cancer syndrome. Also called: Breast and ovarian cancer; BRCA1- and BRCA2-Associated Hereditary Breast and Ovarian Cancer; Hereditary breast and ovarian cancer; Hereditary breast and ovarian cancer syndrome (HBOC); Hereditary breast and ovarian cancer syndrome; Hereditary breast and/or ovarian cancer syndrome. Identifiers: Orphanet 145, MedGen C0677776, MeSH D061325, MONDO:0003582. Disease mechanism: loss of function.
Breast-ovarian cancer, familial, susceptibility to, 2 (BROVCA2). Also called: BRCA2 Hereditary Breast and Ovarian Cancer. Identifiers: Orphanet 145, MedGen C2675520, MONDO:0012933, OMIM 612555. Disease mechanism: loss of function.
Familial cancer of breast. Also called: BREAST CANCER, FAMILIAL; hereditary breast carcinoma; Hereditary breast cancer. Identifiers: Orphanet 227535, MedGen C0346153, MONDO:0016419, OMIM 114480. Disease mechanism: loss of function.

Submissions 1 to 9 of 14:

German Consortium for Hereditary Breast and Ovarian Cancer, University Hospital Cologne
Classification: Pathogenic for Hereditary breast ovarian cancer syndrome. Last evaluated: 2026-01-13. Review status: criteria provided, single submitter. Criteria: ClinGen BRCA2 V1.1.0. Collection method: curation. Allele origin: germline.
Comment: This classification follows the ClinGen ENIGMA BRCA2 v1.1.0 classification scheme; We chose these criteria: PVS1 (supporting pathogenic): as per PVS1 decision tree and Table 4, PS3 (strong pathogenic): Huang et al. 2025 (pathogenic - strong) und Sahu et al. 2025 (pathogenic - very strong, Table S5), PM2 (supporting pathogenic): absent from controls (gnomAD v2, v3, v4), PP4 (very strong pathogenic): Combined LR Score = 8695.28622

Labcorp Genetics (formerly Invitae), Labcorp
Classification: Pathogenic for Hereditary breast ovarian cancer syndrome. Last evaluated: 2025-12-17. Review status: criteria provided, single submitter. Criteria: Invitae Variant Classification Sherloc (09022015). Collection method: clinical testing. Allele origin: germline.
Comment: This sequence change affects an acceptor splice site in intron 24 of the BRCA2 gene. It is expected to disrupt RNA splicing. Variants that disrupt the donor or acceptor splice site typically lead to a loss of protein function (PMID: 16199547), and loss-of-function variants in BRCA2 are known to be pathogenic (PMID: 20104584). This variant is not present in population databases (gnomAD no frequency). Disruption of this splice site has been observed in individual(s) with breast and/or ovarian cancer (PMID: 10923033, 20960228, 21120943, 25452441; internal data). It has also been observed to segregate with disease in related individuals. This variant is also known as IVS24-1G>C and 9485-1G>C. ClinVar contains an entry for this variant (Variation ID: 52793). Based on a multifactorial likelihood algorithm using genetic, in silico, and/or statistical data, this variant has been determined to have a high probability of being pathogenic (PMID: 17924331, 21990134, 31131967). Studies have shown that disruption of this splice site is associated with inconclusive levels of altered splicing (PMID: 21394826, 25382762; internal data). For these reasons, this variant has been classified as Pathogenic.

Ambry Genetics
Classification: Pathogenic for Hereditary cancer-predisposing syndrome. Last evaluated: 2025-08-28. Review status: criteria provided, single submitter. Criteria: Ambry Variant Classification Scheme 2023. Collection method: clinical testing. Allele origin: germline.
Comment: The c.9257-1G>C intronic pathogenic mutation results from a G to C substitution one nucleotide before coding exon 24 of the BRCA2 gene. Two saturation genome editing-based studies, including a haploid cell-survival assay and a humanized mouse embryonic stem cell line assay of drug response and survival, demonstrate that this nucleotide substitution is non-functional (Huang H et al. Nature. 2025 Feb;638(8050):528-537; Sahu S et al. Nature. 2025 Feb;638(8050):538-545). In vitro splicing assays showed that this alteration produced aberrant transcripts leading to exon skipping or the in-frame deletion of 27 nucleotides from coding exon 24 (Ambry internal data; Whiley PJ et al. Hum Mutat. 2011 Jun;32(6):678-87; Acedo A et al. Hum Mutat. 2015 Feb;36(2):210-21). Multifactorial likelihood ratio analyses which included segregation, pathology, co-occurrence, family history and case control data have determined this alteration to be likely pathogenic or pathogenic (Easton DF et al. Am J Hum Genet 2007 Nov;81(5):873-83; Lindor NM et al. Hum Mutat. 2012 Jan;33(1):8-21; Parsons MT et al. Hum Mutat 2019 09;40(9):1557-1578). Of note, this alteration is also described as 9485-1G>C and IVS24-1G>C in the published literature. This variant is considered to be rare based on population cohorts in the Genome Aggregation Database (gnomAD). In addition to the clinical data presented in the literature, alterations that disrupt the canonical splice site are expected to cause aberrant splicing, resulting in an abnormal protein or a transcript that is subject to nonsense-mediated mRNA decay. As such, this alteration is classified as pathogenic.

Quest Diagnostics Nichols Institute San Juan Capistrano
Classification: Pathogenic. Last evaluated: 2025-04-10. Review status: criteria provided, single submitter. Criteria: Quest Diagnostics criteria. Collection method: clinical testing. Allele origin: unknown.
Comment: The BRCA2 c.9257-1G>C variant disrupts a canonical splice-acceptor site and interferes with normal BRCA2 mRNA splicing. This variant has been reported in the published literature in individuals with breast and/or ovarian cancer (PMIDs: 21394826 (2011), 20960228 (2011), 25452441 (2015), 25777348 (2015), 32733560 (2020), 33471991 (2021)) and kidney cancer (PMID: 34308104 (2021)). This variant was reported as being likely pathogenic/pathogenic in multifactorial likelihood studies (PMIDs: 21990134 (2012), 31131967 (2019)), and functional studies have shown that this variant causes aberrant mRNA splicing (PMIDs: 21394826 (2011), 25382762 (2015)). This variant has not been reported in large, multi-ethnic general populations (Genome Aggregation Database). Based on the available information, this variant is classified as pathogenic.

All of Us Research Program, National Institutes of Health
Classification: Pathogenic for BRCA2-related cancer predisposition. Last evaluated: 2024-07-10. Review status: criteria provided, single submitter. Criteria: ACMG Guidelines, 2015. Collection method: clinical testing. Allele origin: germline. Inheritance: Autosomal dominant inheritance. Observed: 1 variant allele, 1 heterozygote.
Comment: This variant causes a G to C nucleotide substitution at the -1 position of intron 24 of the BRCA2 gene. Functional RNA studies have shown that this variant causes an in-frame deletion in exon 25, resulting in a deletion in the DNA binding domain (PMID: 21394826, 25382762). This variant has been reported in 4 individuals affected with breast cancer (PMID: 25452441, 32733560, 33471991; Leiden Open Variation Database DB-ID BRCA2_000434). This variant has not been identified in the general population by the Genome Aggregation Database (gnomAD). Loss of BRCA2 function is a known mechanism of disease. Based on the available evidence, this variant is classified as Pathogenic.

This study involves interpretation of variants in research participants for the purpose of population health screening. Participant phenotype was not available at the time of variant classification. Additional details can be found in publication PMID: 35346344, PMCID: PMC8962531

Color Diagnostics, LLC DBA Color Health
Classification: Pathogenic for Hereditary cancer-predisposing syndrome. Last evaluated: 2024-01-31. Review status: criteria provided, single submitter. Criteria: ACMG Guidelines, 2015. Collection method: clinical testing. Allele origin: germline.
Comment: This variant causes a G to C nucleotide substitution at the -1 position of intron 24 of the BRCA2 gene. Functional RNA studies have shown that this variant causes an in-frame deletion in exon 25, resulting in a deletion in the DNA binding domain (PMID: 21394826, 25382762). This variant has been reported in 4 individuals affected with breast cancer (PMID: 25452441, 32733560, 33471991; Leiden Open Variation Database DB-ID BRCA2_000434). This variant has not been identified in the general population by the Genome Aggregation Database (gnomAD). Loss of BRCA2 function is a known mechanism of disease. Based on the available evidence, this variant is classified as Pathogenic.

CeGaT Center for Human Genetics Tuebingen
Classification: Pathogenic. Last evaluated: 2023-09-01. Review status: criteria provided, single submitter. Criteria: CeGaT Center For Human Genetics Tuebingen Variant Classification Criteria Version 2. Collection method: clinical testing. Allele origin: germline. Affected: yes. Observed: 4 variant alleles.
Comment: BRCA2: PVS1, PM2, PS3:Supporting

GeneDx
Classification: Pathogenic. Last evaluated: 2023-07-05. Review status: criteria provided, single submitter. Criteria: GeneDx Variant Classification Process June 2021. Collection method: clinical testing. Allele origin: germline. Affected: yes.
Comment: Canonical splice site variant predicted to result in a null allele in a gene for which loss of function is a known mechanism of disease; Multifactorial studies studies support this variant is likely pathogenic and associated with hereditary breast and ovarian cancer (Lindor et al., 2012; Parsons et al., 2019); Identified in individuals with personal or family history consistent with pathogenic variants in this gene (Laitman et al., 2011; Couch et al., 2015; Rebbeck et al., 2018); Published functional studies demonstrate a damaging effect: abnormal splicing (Whiley et al., 2011); Not observed at significant frequency in large population cohorts (gnomAD); Also known as 9485-1G>C; This variant is associated with the following publications: (PMID: 25382762, 25525159, 20960228, 17924331, 31447099, 30787465, 31131967, 25452441, 21990134, 34308104, 21120943, 20104584, 21394826, 29446198)

Institute for Clinical Genetics, University Hospital TU Dresden, University Hospital TU Dresden
Classification: Pathogenic. Last evaluated: 2021-11-03. Review status: criteria provided, single submitter. Criteria: ACMG Guidelines, 2015. Collection method: clinical testing. Allele origin: germline.

NM_000059.4(BRCA2):c.9257-1G>C

Gene: BRCA2 (BRCA2 DNA repair associated; plus strand). Cytogenetic location: 13q13.1.
Variant type: single nucleotide variant.
Coding change: c.9257-1G>C on transcript NM_000059.4 (MANE Select); the canonical splice acceptor site of the intron before coding-DNA position 9257, G replaced by C.
Molecular consequence: splice acceptor variant.
Genome position (GRCh38, 1-based): chr13:32,394,688, G>C. VCF-style: chr13-32394688-G-C. GRCh37 (hg19) VCF-style: chr13-32968825-G-C.
Other names: IVS24-1G>C; c.9206-1G>C (NM_001406720.1); c.9161-1G>C (NM_001406719.1); c.4325-1G>C (NM_001406721.1); c.2840-1G>C (NM_001406722.1).
Identifiers: ClinVar variation 52793 (VCV000052793.71), dbSNP rs81002889, ClinGen allele CA026065.